The following is an entry in ClinVar:

ClinVar aggregate classification (germline): Uncertain significance (1 of 4 stars; one submission).

gnomAD v4.1: 5 of 1,614,088 alleles (0.00031%); highest among the groups gnomAD compares: Non-Finnish European, 0.00042%; no homozygotes.

Submission:

Labcorp Genetics (formerly Invitae), Labcorp
Classification: Uncertain significance. Last evaluated: 2024-02-09. Review status: criteria provided, single submitter. Criteria: Invitae Variant Classification Sherloc (09022015). Collection method: clinical testing. Allele origin: germline.
Comment: This sequence change replaces arginine, which is basic and polar, with cysteine, which is neutral and slightly polar, at codon 359 of the TUBB3 protein (p.Arg359Cys). This variant is not present in population databases (gnomAD no frequency). This variant has not been reported in the literature in individuals affected with TUBB3-related conditions. Advanced modeling of protein sequence and biophysical properties (such as structural, functional, and spatial information, amino acid conservation, physicochemical variation, residue mobility, and thermodynamic stability) performed at Invitae indicates that this missense variant is not expected to disrupt TUBB3 protein function with a negative predictive value of 80%. In summary, the available evidence is currently insufficient to determine the role of this variant in disease. Therefore, it has been classified as a Variant of Uncertain Significance.

NM_006086.4(TUBB3):c.1075C>T (p.Arg359Cys)

Gene: TUBB3 (tubulin beta 3 class III; plus strand). Cytogenetic location: 16q24.3.
Variant type: single nucleotide variant.
Coding change: c.1075C>T on transcript NM_006086.4 (MANE Select); coding-DNA position 1075, C replaced by T.
Protein change: p.Arg359Cys; replaces arginine 359 with cysteine.
Molecular consequence: missense variant.
Genome position (GRCh38, 1-based): chr16:89,935,526, C>T. VCF-style: chr16-89935526-C-T. GRCh37 (hg19) VCF-style: chr16-90001934-C-T.
Other names: c.859C>T, p.Arg287Cys (NM_001197181.2); short protein forms R287C, R359C.
Identifiers: ClinVar variation 3689643 (VCV003689643.2).